The following is an entry in ClinVar:

ClinVar aggregate classification (germline): Uncertain significance (1 of 4 stars; one submission).

Conditions:
Cardiovascular phenotype. Identifiers: MedGen CN230736.

Allele frequency attached by ClinVar (database versions not stated): ExAC 0.00001.
gnomAD v4.1: 10 of 1,614,136 alleles (0.00062%); highest among the groups gnomAD compares: Non-Finnish European, 0.00085%; no homozygotes.

Submission:

Ambry Genetics
Classification: Uncertain significance for Cardiovascular phenotype. Last evaluated: 2021-12-16. Review status: criteria provided, single submitter. Criteria: Ambry Variant Classification Scheme 2023. Collection method: clinical testing. Allele origin: germline.
Comment: The p.H686Y variant (also known as c.2056C>T), located in coding exon 13 of the SCN10A gene, results from a C to T substitution at nucleotide position 2056. The histidine at codon 686 is replaced by tyrosine, an amino acid with similar properties. This amino acid position is conserved. In addition, the in silico prediction for this alteration is inconclusive. Since supporting evidence is limited at this time, the clinical significance of this alteration remains unclear.

NM_006514.4(SCN10A):c.2056C>T (p.His686Tyr)

Gene: SCN10A (sodium voltage-gated channel alpha subunit 10; minus strand). Cytogenetic location: 3p22.2.
Variant type: single nucleotide variant.
Coding change: c.2056C>T on transcript NM_006514.4 (MANE Select); coding-DNA position 2056, C replaced by T.
Protein change: p.His686Tyr; replaces histidine 686 with tyrosine.
Molecular consequence: missense variant.
Genome position (GRCh38, 1-based): chr3:38,742,341, G>A on the plus strand (C>T on the coding strand, the complement: SCN10A is on the minus strand). VCF-style: chr3-38742341-G-A. GRCh37 (hg19) VCF-style: chr3-38783832-G-A.
Other names: c.2056C>T, p.His686Tyr (NM_001293306.2); c.1762C>T, p.His588Tyr (NM_001293307.2); short protein forms H588Y, H686Y.
Identifiers: ClinVar variation 1785134 (VCV001785134.2), dbSNP rs747722134, ClinGen allele CA2320670.
Genomic context (GRCh38, chr3:38,742,341, plus strand): 5'-GAGCACTCACGATGTTGCCTATCTGGAGCATGGCTTCGAAGGTAGGGCTCATGCCATGGT[G>A]CTCCATGGCCATGAAGATGGTGTTCACCACGATGCACAAGGTGATGGTGAGCTCTGCAAA-3'
Protein context (NP_006505.4, residues 676-696): VVNTIFMAME[His686Tyr]HGMSPTFEAM